The following is an entry in ClinVar:

NM_001374736.1(DST):c.17108+5C>T

Gene: DST (dystonin; minus strand). Cytogenetic location: 6p12.1.
Variant type: single nucleotide variant.
Coding change: c.17108+5C>T on transcript NM_001374736.1 (MANE Select); 5 bases into the intron after coding-DNA position 17108, C replaced by T.
Molecular consequence: intron variant.
Genome position (GRCh38, 1-based): chr6:56,532,339, G>A on the plus strand (C>T on the coding strand, the complement: DST is on the minus strand). VCF-style: chr6-56532339-G-A. GRCh37 (hg19) VCF-style: chr6-56397137-G-A.
Other names: c.10751+5C>T (NM_001144769.5); c.17108+5C>T (NM_001374722.1); c.17135+5C>T (NM_001374734.1); c.10337+5C>T (NM_001144770.2); c.10217+5C>T (NM_001374730.1, NM_001386100.1, NM_183380.4); c.16475+5C>T (NM_001374729.1); c.9239+5C>T (NM_015548.5).
Identifiers: ClinVar variation 3379691 (VCV003379691.1).

ClinVar aggregate classification (germline): Uncertain significance (1 of 4 stars; one submission).

gnomAD v4.1: 1 of 1,612,972 alleles (0.000062%); highest among the groups gnomAD compares: Non-Finnish European, 0.000085%; no homozygotes.

Submission:

Mayo Clinic Laboratories, Mayo Clinic
Classification: Uncertain significance. Last evaluated: 2023-08-29. Review status: criteria provided, single submitter. Criteria: ACMG Guidelines, 2015. Collection method: clinical testing. Allele origin: germline. Observed: 2 variant alleles.
Comment: BP4